The following is an entry in ClinVar:

ClinVar aggregate classification (germline): Uncertain significance (1 of 4 stars; one submission).

Submission:

GeneDx
Classification: Uncertain significance. Last evaluated: 2017-06-12. Review status: criteria provided, single submitter. Criteria: GeneDx Variant Classification (06012015). Collection method: clinical testing. Allele origin: germline. Affected: yes.
Comment: A variant of uncertain significance has been identified in the TGFBR1 gene. The S236A variant has not been published as pathogenic or been reported as benign to our knowledge. This variant is also not observed in large population cohorts (Lek et al., 2016; 1000 Genomes Consortium et al., 2015; Exome Variant Server). The S236A variant is a non-conservative amino acid substitution, which is likely to impact secondary protein structure as these residues differ in polarity, charge, size and/or other properties. Additionally, this substitution occurs at a position that is conserved across species and in silico analysis predicts this variant is probably damaging to the protein structure/function. Nevertheless, this variant has not been observed in a significant number of affected individuals, and it lacks both segregation and functional studies which would further clarify its pathogenicity.

NM_004612.4(TGFBR1):c.706T>G (p.Ser236Ala)

Gene: TGFBR1 (transforming growth factor beta receptor 1; plus strand). Cytogenetic location: 9q22.33.
Variant type: single nucleotide variant.
Coding change: c.706T>G on transcript NM_004612.4 (MANE Select); coding-DNA position 706, T replaced by G.
Protein change: p.Ser236Ala; replaces serine 236 with alanine.
Molecular consequence: missense variant.
Genome position (GRCh38, 1-based): chr9:99,137,990, T>G. VCF-style: chr9-99137990-T-G. GRCh37 (hg19) VCF-style: chr9-101900272-T-G.
Other names: c.475T>G, p.Ser159Ala (NM_001130916.3); c.718T>G, p.Ser240Ala (NM_001306210.2); short protein forms S236A, S240A, S159A.
Identifiers: ClinVar variation 432624 (VCV000432624.2), dbSNP rs1554700634, ClinGen allele CA374229743.